The following is an entry in ClinVar:

NM_001370466.1(NOD2):c.1244T>C (p.Phe415Ser)

Gene: NOD2 (nucleotide binding oligomerization domain containing 2; plus strand). Cytogenetic location: 16q12.1.
Variant type: single nucleotide variant.
Coding change: c.1244T>C on transcript NM_001370466.1 (MANE Select); coding-DNA position 1244, T replaced by C.
Protein change: p.Phe415Ser; replaces phenylalanine 415 with serine.
Molecular consequence: missense variant. On other transcripts: non-coding transcript variant (1).
Genome position (GRCh38, 1-based): chr16:50,711,236, T>C. VCF-style: chr16-50711236-T-C. GRCh37 (hg19) VCF-style: chr16-50745147-T-C.
Other names: c.1244T>C, p.Phe415Ser (NM_001293557.2); c.1325T>C, p.Phe442Ser (NM_022162.3); short protein forms F415S, F442S.
Identifiers: ClinVar variation 2501866 (VCV002501866.2), dbSNP rs1283324859, ClinGen allele CA395868684.

ClinVar aggregate classification (germline): Uncertain significance. Review status: criteria provided, multiple submitters, no conflicts (2 of 4 stars). 2 submissions from 2 submitters: Uncertain significance (2). Last evaluated 2025-08-27.

Conditions:
Inborn genetic diseases. Identifiers: MedGen C0950123, MeSH D030342.

Allele frequency attached by ClinVar (database versions not stated): gnomAD exomes below 0.00001.
gnomAD v4.1: 2 of 1,614,000 alleles (0.00012%); highest among the groups gnomAD compares: Non-Finnish European, 0.00017%; no homozygotes.

Submissions (2):

Ambry Genetics
Classification: Uncertain significance for Inborn genetic diseases. Last evaluated: 2025-08-27. Review status: criteria provided, single submitter. Criteria: Ambry Variant Classification Scheme 2023. Collection method: clinical testing. Allele origin: germline.

GeneDx
Classification: Uncertain significance. Last evaluated: 2022-11-10. Review status: criteria provided, single submitter. Criteria: GeneDx Variant Classification Process June 2021. Collection method: clinical testing. Allele origin: germline. Affected: yes.
Comment: Not observed at significant frequency in large population cohorts (gnomAD); In silico analysis supports that this missense variant does not alter protein structure/function; Has not been previously published as pathogenic or benign to our knowledge